The following is an entry in ClinVar:

ClinVar aggregate classification (germline): Uncertain significance (1 of 4 stars; one submission).

Conditions:
Epidermolysis bullosa simplex 3, localized or generalized intermediate, with BP230 deficiency (EBS3). Also called: Epidermolysis bullosa simplex due to BP230 deficiency; Epidermolysis bullosa simplex, autosomal recessive 2. Identifiers: Orphanet 412181, MedGen C3809470, MONDO:0014180, OMIM 615425.
Hereditary sensory and autonomic neuropathy type 6. Also called: HSAN VI; Neuropathy, hereditary sensory and autonomic, type VI. Identifiers: Orphanet 314381, MedGen C3539003, MONDO:0013839, OMIM 614653.

gnomAD v4.1: 13 of 1,604,530 alleles (0.00081%); highest among the groups gnomAD compares: African/African-American, 0.0013%; no homozygotes.

Submission:

Labcorp Genetics (formerly Invitae), Labcorp
Classification: Uncertain significance for Epidermolysis bullosa simplex 3, localized or generalized intermediate, with BP230 deficiency; Hereditary sensory and autonomic neuropathy type 6. Last evaluated: 2021-01-07. Review status: criteria provided, single submitter. Criteria: Invitae Variant Classification Sherloc (09022015). Collection method: clinical testing. Allele origin: germline.
Comment: Experimental studies and prediction algorithms are not available or were not evaluated, and the functional significance of this variant is currently unknown. In summary, the available evidence is currently insufficient to determine the role of this variant in disease. Therefore, it has been classified as a Variant of Uncertain Significance. This variant has not been reported in the literature in individuals with DST-related conditions. This variant is not present in population databases (ExAC no frequency). This sequence change replaces aspartic acid with asparagine at codon 3228 of the DST protein (p.Asp3228Asn). The DST gene has multiple clinically relevant transcripts. This variant occurs in alternate transcript NM_015548.4, and corresponds to NM_001723.5:c.*86025G>A in the primary transcript.

NM_001374736.1(DST):c.17551G>A (p.Asp5851Asn)

Gene: DST (dystonin; minus strand). Cytogenetic location: 6p12.1.
Variant type: single nucleotide variant.
Coding change: c.17551G>A on transcript NM_001374736.1 (MANE Select); coding-DNA position 17551, G replaced by A.
Protein change: p.Asp5851Asn; replaces aspartic acid 5851 with asparagine.
Molecular consequence: missense variant. On other transcripts: intron variant (2).
Genome position (GRCh38, 1-based): chr6:56,529,492, C>T on the plus strand (G>A on the coding strand, the complement: DST is on the minus strand). VCF-style: chr6-56529492-C-T. GRCh37 (hg19) VCF-style: chr6-56394290-C-T.
Other names: c.11194G>A, p.Asp3732Asn (NM_001144769.5); c.10780G>A, p.Asp3594Asn (NM_001144770.2); c.17551G>A, p.Asp5851Asn (NM_001374722.1); c.17578G>A, p.Asp5860Asn (NM_001374734.1); c.10660G>A, p.Asp3554Asn (NM_001386100.1, NM_183380.4); c.9682G>A, p.Asp3228Asn (NM_015548.5); c.10377+482G>A (NM_001374730.1); c.16635+482G>A (NM_001374729.1); short protein forms D3594N, D5851N, D3228N, D3554N, D3732N, D5860N.
Identifiers: ClinVar variation 1515624 (VCV001515624.4), dbSNP rs180773742, ClinGen allele CA364507819.